The following is an entry in ClinVar:

ClinVar aggregate classification (germline): Uncertain significance (1 of 4 stars; one submission).

Submission:

Labcorp Genetics (formerly Invitae), Labcorp
Classification: Uncertain significance. Last evaluated: 2025-05-27. Review status: criteria provided, single submitter. Criteria: Invitae Variant Classification Sherloc (09022015). Collection method: clinical testing. Allele origin: germline.
Comment: This sequence change replaces alanine, which is neutral and non-polar, with serine, which is neutral and polar, at codon 492 of the NAA15 protein (p.Ala492Ser). This variant is not present in population databases (gnomAD no frequency). This variant has not been reported in the literature in individuals affected with NAA15-related conditions. An algorithm developed to predict the effect of missense changes on protein structure and function (PolyPhen-2) suggests that this variant is likely to be disruptive. In summary, the available evidence is currently insufficient to determine the role of this variant in disease. Therefore, it has been classified as a Variant of Uncertain Significance.

NM_057175.5(NAA15):c.1474G>T (p.Ala492Ser)

Gene: NAA15 (N-alpha-acetyltransferase 15, NatA auxiliary subunit; plus strand). Cytogenetic location: 4q31.1.
Variant type: single nucleotide variant.
Coding change: c.1474G>T on transcript NM_057175.5 (MANE Select); coding-DNA position 1474, G replaced by T.
Protein change: p.Ala492Ser; replaces alanine 492 with serine.
Molecular consequence: missense variant.
Genome position (GRCh38, 1-based): chr4:139,360,563, G>T. VCF-style: chr4-139360563-G-T. GRCh37 (hg19) VCF-style: chr4-140281717-G-T.
Other names: c.1474G>T, p.Ala492Ser (NM_001410842.1); short protein forms A492S.
Identifiers: ClinVar variation 4763865 (VCV004763865.1).